The following is an entry in ClinVar:

ClinVar aggregate classification (germline): Likely pathogenic (1 of 4 stars; one submission).

Conditions:
Ataxia-telangiectasia syndrome (AT). Also called: LOUIS-BAR SYNDROME; Ataxia-telangiectasia, complementation group D; AT, COMPLEMENTATION GROUP C; Cerebello-oculocutaneous telangiectasia; Immunodeficiency with ataxia telangiectasia; ATAXIA-TELANGIECTASIA, COMPLEMENTATION GROUP A. Identifiers: Orphanet 100, MedGen C0004135, MONDO:0008840, OMIM 208900.

Submission:

Labcorp Genetics (formerly Invitae), Labcorp
Classification: Likely pathogenic for Ataxia-telangiectasia syndrome. Last evaluated: 2023-03-30. Review status: criteria provided, single submitter. Criteria: Invitae Variant Classification Sherloc (09022015). Collection method: clinical testing. Allele origin: germline.
Comment: This sequence change affects an acceptor splice site in intron 37 of the ATM gene. RNA analysis indicates that disruption of this splice site induces altered splicing and may result in an absent or disrupted protein product. In summary, the currently available evidence indicates that the variant is pathogenic, but additional data are needed to prove that conclusively. Therefore, this variant has been classified as Likely Pathogenic. Studies have shown that disruption of this splice site results in activation of a cryptic splice site and introduces a premature termination codon (Invitae). The resulting mRNA is expected to undergo nonsense-mediated decay. ClinVar contains an entry for this variant (Variation ID: 1067749). This variant has not been reported in the literature in individuals affected with ATM-related conditions. This variant is not present in population databases (gnomAD no frequency).

NM_000051.4(ATM):c.5675-1G>C

Gene: ATM (ATM serine/threonine kinase; plus strand). Cytogenetic location: 11q22.3.
Variant type: single nucleotide variant.
Coding change: c.5675-1G>C on transcript NM_000051.4 (MANE Select); the canonical splice acceptor site of the intron before coding-DNA position 5675, G replaced by C.
Molecular consequence: splice acceptor variant.
Genome position (GRCh38, 1-based): chr11:108,307,896, G>C. VCF-style: chr11-108307896-G-C. GRCh37 (hg19) VCF-style: chr11-108178623-G-C.
Other names: c.5675-1G>C (NM_001351834.2).
Identifiers: ClinVar variation 1067749 (VCV001067749.7), dbSNP rs2135975662, ClinGen allele CA382547704.